The following is an entry in ClinVar:

ClinVar aggregate classification (germline): Uncertain significance (1 of 4 stars; one submission).

Conditions:
JMJD1C-related disorder. Also called: JMJD1C-related condition.

Submission:

PreventionGenetics, part of Exact Sciences
Classification: Uncertain significance for JMJD1C-related condition. Last evaluated: 2025-02-05. Review status: criteria provided, single submitter. Criteria: ACMG Guidelines, 2015. Collection method: clinical testing. Allele origin: germline.
Comment: The JMJD1C c.4556A>G variant is predicted to result in the amino acid substitution p.Asp1519Gly. To our knowledge, this variant has not been reported in the literature or in a large population database (gnomAD), indicating this variant is rare. At this time, the clinical significance of this variant is uncertain due to the absence of conclusive functional and genetic evidence.

NM_032776.3(JMJD1C):c.4556A>G (p.Asp1519Gly)

Gene: JMJD1C (jumonji domain containing 1C; minus strand). Cytogenetic location: 10q21.3.
Variant type: single nucleotide variant.
Coding change: c.4556A>G on transcript NM_032776.3 (MANE Select); coding-DNA position 4556, A replaced by G.
Protein change: p.Asp1519Gly; replaces aspartic acid 1519 with glycine.
Molecular consequence: missense variant. On other transcripts: non-coding transcript variant (1).
Genome position (GRCh38, 1-based): chr10:63,207,113, T>C on the plus strand (A>G on the coding strand, the complement: JMJD1C is on the minus strand). VCF-style: chr10-63207113-T-C. GRCh37 (hg19) VCF-style: chr10-64966873-T-C.
Other names: c.4010A>G, p.Asp1337Gly (NM_001282948.2, NM_001318154.2); c.3692A>G, p.Asp1231Gly (NM_001318153.2); c.4442A>G, p.Asp1481Gly (NM_001322252.2); c.3899A>G, p.Asp1300Gly (NM_001322254.2, NM_001322258.2); short protein forms D1231G, D1337G, D1481G, D1519G, D1300G.
Identifiers: ClinVar variation 4998360 (VCV004998360.1).
Genomic context (GRCh38, chr10:63,207,113, plus strand): 5'-GAAGCTTGCCCATTTCCTACAGAGTTTGCTTTGTTAATTGTACTACAGATTACAGTGCTA[T>C]CCAGAGGAAGGGAGGCTGAAAGTGTCTGATTTTTTATAGCATTAGGTTCAGTCTCACTGG-3'
Protein context (NP_116165.1, residues 1509-1529): NQTLSASLPL[Asp1519Gly]STVICSTINK